The following is an entry in ClinVar:

NM_000419.5(ITGA2B):c.2673_2674dup (p.Ile892fs)

Gene: ITGA2B (integrin subunit alpha 2b; minus strand). Cytogenetic location: 17q21.31.
Variant type: Duplication.
Coding change: c.2673_2674dup on transcript NM_000419.5 (MANE Select); coding-DNA positions 2673 to 2674, 2 bases duplicated (GA; older notation c.2673_2674dupGA).
Protein change: p.Ile892fs; shifts the reading frame from isoleucine 892.
Molecular consequence: frameshift variant.
Genome position (GRCh38, 1-based): chr17:44,375,644-44,375,645, TC duplicated on the plus strand (GA on the coding strand, the reverse complement: ITGA2B is on the minus strand); duplicating any 2 consecutive bases within chr17:44,375,644-44,375,646 gives the same sequence; the c. name uses the placement nearest the transcript's 3' end. VCF-style (leftmost placement, unchanged base first): chr17-44375643-A-ATC. GRCh37 (hg19) VCF-style: chr17-42453011-A-ATC.
Other names: NM_000419.5:c.2673_2674dup; short protein forms I892fs.
Identifiers: ClinVar variation 1691473 (VCV001691473.2), dbSNP rs2143435739, ClinGen allele CA915940687.

ClinVar aggregate classification (germline): Pathogenic (3 of 4 stars; one submission).

Conditions:
Glanzmann thrombasthenia. Also called: PLATELET GLYCOPROTEIN IIb-IIIa DEFICIENCY; Glanzmann's thrombasthenia; BLEEDING DISORDER, PLATELET-TYPE, 2; THROMBASTHENIA OF GLANZMANN AND NAEGELI; Thrombasthenia. Identifiers: Orphanet 849, MedGen C0040015, MONDO:0100326.

Submission:

ClinGen Platelet Disorders Variant Curation Expert Panel, ClinGen
Classification: Pathogenic for Glanzmann thrombasthenia. Last evaluated: 2022-03-09. Review status: reviewed by expert panel. Criteria: ClinGen Platelet ACMG Specifications v2-1. Collection method: curation. Allele origin: germline. Inheritance: Autosomal recessive inheritance.
Comment: The NM_000419.5:c.2673_2674dup (p.Ile892LysfsTer19) variant in ITGA2B exon 26 is a frameshift variant predicted to cause a premature stop codon in biologically-relevant-exon 27/30 and is predicted to lead to nonsense mediated decay in a gene in which loss-of-function is an established disease mechanism (PVS1). This variant has been detected in at least one proband with Glanzmann thrombasthenia. This individual (GT70, PMID: 19691478) was compound heterozygous for this variant and an ITGA2B variant provisionally classified as likely pathogenic by the Platelet Disorders VCEP (c.1424_1427dup (p.Ala477GlyfsTer111), phase not confirmed). However, PM3 was not applied because the c.1424_1427dup variant is not sufficiently rare to meet PM2_Supporting. At least one patient (Patient GT70 in PMID: 19691478) with this variant displayed mucocutaneous bleeding and impaired aggregation with all agonists except ristocetin, which is highly specific for Glanzmann thrombasthenia (PP4_Moderate). This variant is absent from gnomAD v2.1.1 (PM2_Supporting). In summary, this variant meets the criteria to be classified as pathogenic for autosomal recessive Glanzmann Thrombasthenia based on the ACMG/AMP criteria applied, as specified by the ClinGen PD VCEP: PVS1, PM2_Supporting, PP4_Moderate. (VCEP specifications version 2; date of approval xx/xx/xxxx)